The following is an entry in ClinVar:

NM_007194.4(CHEK2):c.1055A>C (p.Asn352Thr)

Gene: CHEK2 (checkpoint kinase 2; minus strand). Cytogenetic location: 22q12.1.
Variant type: single nucleotide variant.
Coding change: c.1055A>C on transcript NM_007194.4 (MANE Select); coding-DNA position 1055, A replaced by C.
Protein change: p.Asn352Thr; replaces asparagine 352 with threonine.
Molecular consequence: missense variant. On other transcripts: intron variant (3).
Genome position (GRCh38, 1-based): chr22:28,696,941, T>G on the plus strand (A>C on the coding strand, the complement: CHEK2 is on the minus strand). VCF-style: chr22-28696941-T-G. GRCh37 (hg19) VCF-style: chr22-29092929-T-G.
Other names: c.1184A>C, p.Asn395Thr (NM_001005735.3); c.392A>C, p.Asn131Thr (NM_001257387.3, NM_001437942.1); c.854A>C, p.Asn285Thr (NM_001349956.3); c.1148A>C, p.Asn383Thr (NM_001438293.1); c.1009-1068A>C (NM_145862.3); c.1102-1068A>C (NM_001438295.1); c.1138-1068A>C (NM_001438294.1); short protein forms N395T, N131T, N352T, N285T, N383T.
Identifiers: ClinVar variation 2123727 (VCV002123727.4), dbSNP rs764181318, ClinGen allele CA411097641.
Genomic context (GRCh38, chr22:28,696,941, plus strand): 5'-ACAGAATGCCAATTTCTTACCTTTATAAGACAGTCCTCTTCTTGAGATGACAGTAAAACA[T>G]TCTCTGGCTTTAAGTCACGGTGTATAATACCGTTTTCATGAAGGTACTACACAGAAAGGC-3'
Protein context (NP_009125.1, residues 342-362): GIIHRDLKPE[Asn352Thr]VLLSSQEEDC

ClinVar aggregate classification (germline): Uncertain significance (1 of 4 stars; one submission).

Conditions:
Familial cancer of breast. Also called: BREAST CANCER, FAMILIAL; Hereditary breast cancer; hereditary breast carcinoma. Identifiers: Orphanet 227535, MedGen C0346153, MONDO:0016419, OMIM 114480. Disease mechanism: loss of function.

gnomAD v4.1: 1 of 1,613,612 alleles (0.000062%); highest among the groups gnomAD compares: Non-Finnish European, 0.000085%; no homozygotes.

Submission:

Labcorp Genetics (formerly Invitae), Labcorp
Classification: Uncertain significance for Familial cancer of breast. Last evaluated: 2022-04-09. Review status: criteria provided, single submitter. Criteria: Invitae Variant Classification Sherloc (09022015). Collection method: clinical testing. Allele origin: germline.
Comment: This sequence change replaces asparagine, which is neutral and polar, with threonine, which is neutral and polar, at codon 352 of the CHEK2 protein (p.Asn352Thr). This variant is not present in population databases (gnomAD no frequency). This variant has not been reported in the literature in individuals affected with CHEK2-related conditions. Algorithms developed to predict the effect of missense changes on protein structure and function are either unavailable or do not agree on the potential impact of this missense change (SIFT: "Deleterious"; PolyPhen-2: "Probably Damaging"; Align-GVGD: "Class C0"). In summary, the available evidence is currently insufficient to determine the role of this variant in disease. Therefore, it has been classified as a Variant of Uncertain Significance.